The following is an entry in ClinVar:

ClinVar aggregate classification (germline): Uncertain significance. Review status: criteria provided, multiple submitters, no conflicts (2 of 4 stars). 2 submissions from 2 submitters: Uncertain significance (2). Last evaluated 2024-12-06.

Allele frequency attached by ClinVar (database versions not stated): gnomAD 0.00005; ExAC 0.00002; ESP Exome Variant Server 0.00008.
gnomAD v4.1: 163 of 1,613,148 alleles (0.01%); highest among the groups gnomAD compares: Non-Finnish European, 0.013%; no homozygotes.

Submissions (2):

Ambry Genetics
Classification: Uncertain significance. Last evaluated: 2024-12-06. Review status: criteria provided, single submitter. Criteria: Ambry Variant Classification Scheme 2023. Collection method: clinical testing. Allele origin: germline.

Labcorp Genetics (formerly Invitae), Labcorp
Classification: Uncertain significance. Last evaluated: 2022-07-05. Review status: criteria provided, single submitter. Criteria: Invitae Variant Classification Sherloc (09022015). Collection method: clinical testing. Allele origin: germline.
Comment: In summary, the available evidence is currently insufficient to determine the role of this variant in disease. Therefore, it has been classified as a Variant of Uncertain Significance. Algorithms developed to predict the effect of missense changes on protein structure and function are either unavailable or do not agree on the potential impact of this missense change (SIFT: "Deleterious"; PolyPhen-2: "Probably Damaging"; Align-GVGD: "Class C15"). This variant has not been reported in the literature in individuals affected with MSMO1-related conditions. This variant is present in population databases (rs372745269, gnomAD 0.007%). This sequence change replaces tryptophan, which is neutral and slightly polar, with cysteine, which is neutral and slightly polar, at codon 52 of the MSMO1 protein (p.Trp52Cys).

NM_006745.5(MSMO1):c.156G>C (p.Trp52Cys)

Gene: MSMO1 (methylsterol monooxygenase 1; plus strand). Cytogenetic location: 4q32.3.
Variant type: single nucleotide variant.
Coding change: c.156G>C on transcript NM_006745.5 (MANE Select); coding-DNA position 156, G replaced by C.
Protein change: p.Trp52Cys; replaces tryptophan 52 with cysteine.
Molecular consequence: missense variant. On other transcripts: intron variant (1).
Genome position (GRCh38, 1-based): chr4:165,333,526, G>C. VCF-style: chr4-165333526-G-C. GRCh37 (hg19) VCF-style: chr4-166254678-G-C.
Other names: c.-138-4263G>C (NM_001017369.3); c.156G>C (NM_006745.4); short protein forms W52C.
Identifiers: ClinVar variation 2067401 (VCV002067401.5), dbSNP rs372745269, ClinGen allele CA3129915.